The following is an entry in ClinVar:

NM_014956.5(CEP164):c.552+9G>A

Gene: CEP164 (centrosomal protein 164; plus strand). Cytogenetic location: 11q23.3.
Variant type: single nucleotide variant.
Coding change: c.552+9G>A on transcript NM_014956.5 (MANE Select); 9 bases into the intron after coding-DNA position 552, G replaced by A.
Molecular consequence: intron variant.
Genome position (GRCh38, 1-based): chr11:117,362,002, G>A. VCF-style: chr11-117362002-G-A. GRCh37 (hg19) VCF-style: chr11-117232718-G-A.
Other names: c.552+9G>A (NM_001271933.2, NM_014956.4).
Identifiers: ClinVar variation 1595179 (VCV001595179.10), dbSNP rs1278586123, ClinGen allele CA672262226.

ClinVar aggregate classification (germline): Likely benign. Review status: criteria provided, multiple submitters, no conflicts (2 of 4 stars). 2 submissions from 2 submitters: Likely benign (2). Last evaluated 2025-10-14.

Conditions:
Nephronophthisis 15 (NPHP15). Identifiers: Orphanet 3156, MedGen C3541853, MONDO:0013917, OMIM 614845.
CEP164-related disorder. Also called: CEP164-related condition.

Allele frequency attached by ClinVar (database versions not stated): gnomAD 0.00002 and 0.00003; TOPMed 0.00001.
gnomAD v4.1: 18 of 1,546,322 alleles (0.0012%); highest among the groups gnomAD compares: African/African-American, 0.0041%; no homozygotes.

Submissions (2):

Labcorp Genetics (formerly Invitae), Labcorp
Classification: Likely benign for Nephronophthisis 15. Last evaluated: 2025-10-14. Review status: criteria provided, single submitter. Criteria: Invitae Variant Classification Sherloc (09022015). Collection method: clinical testing. Allele origin: germline.

PreventionGenetics, part of Exact Sciences
Classification: Likely benign for CEP164-related condition. Last evaluated: 2025-01-30. Review status: criteria provided, single submitter. Criteria: ACMG Guidelines, 2015. Collection method: clinical testing. Allele origin: germline.
Comment: This variant is classified as likely benign based on ACMG/AMP sequence variant interpretation guidelines (Richards et al. 2015 PMID: 25741868, with internal and published modifications).